The following is an entry in ClinVar:

ClinVar aggregate classification (germline): Pathogenic. Review status: criteria provided, multiple submitters, no conflicts (2 of 4 stars). 6 submissions from 6 submitters: Pathogenic (6). Last evaluated 2026-01-26.

Conditions:
Congenital myotonia, autosomal dominant form (THD). Also called: THOMSEN DISEASE; Myotonia congenita autosomal dominant. Identifiers: Orphanet 614, MedGen C2936781, MONDO:0008055, OMIM 160800.
Congenital myotonia, autosomal recessive form. Also called: Becker Generalized Myotonia; myotonia congenita, autosomal recessive; BECKER DISEASE. Identifiers: Orphanet 614, MedGen C0751360, MONDO:0009715, OMIM 255700.
CLCN1-related disorder. Also called: CLCN1-related condition.

Allele frequency attached by ClinVar (database versions not stated): gnomAD 0.00001; gnomAD exomes 0.00001.
gnomAD v4.1: 3 of 1,607,372 alleles (0.00019%); highest among the groups gnomAD compares: Non-Finnish European, 0.00025%; no homozygotes.

Submissions (6):

Labcorp Genetics (formerly Invitae), Labcorp
Classification: Pathogenic for Congenital myotonia, autosomal recessive form; Congenital myotonia, autosomal dominant form. Last evaluated: 2026-01-26. Review status: criteria provided, single submitter. Criteria: Invitae Variant Classification Sherloc (09022015). Collection method: clinical testing. Allele origin: germline.
Comment: This sequence change affects a donor splice site in intron 17 of the CLCN1 gene. RNA analysis indicates that disruption of this splice site induces altered splicing and may result in an absent or altered protein product. This variant is present in population databases (no rsID available, gnomAD 0.001%). Disruption of this splice site has been observed in individual(s) with myotonia congenita (PMID: 15116370; internal data). In at least one individual the data is consistent with being in trans (on the opposite chromosome) from a pathogenic variant. ClinVar contains an entry for this variant (Variation ID: 572040). Studies have shown that disruption of this splice site results in skipping of exon 17, and produces a non-functional protein and/or introduces a premature termination codon (PMID: 15116370). For these reasons, this variant has been classified as Pathogenic.

Fulgent Genetics
Classification: Pathogenic for Congenital myotonia, autosomal dominant form; Congenital myotonia, autosomal recessive form. Last evaluated: 2024-06-19. Review status: criteria provided, single submitter. Criteria: ACMG Guidelines, 2015. Collection method: clinical testing. Allele origin: germline.

Revvity Omics, Revvity
Classification: Pathogenic. Last evaluated: 2024-01-05. Review status: criteria provided, single submitter. Criteria: ACMG Guidelines, 2015. Collection method: clinical testing. Allele origin: germline.

GeneDx
Classification: Pathogenic. Last evaluated: 2024-01-04. Review status: criteria provided, single submitter. Criteria: GeneDx Variant Classification Process June 2021. Collection method: clinical testing. Allele origin: germline.
Comment: Canonical splice site variant predicted to result in a null allele in a gene for which loss of function is a known mechanism of disease; Not observed at significant frequency in large population cohorts (gnomAD); This variant is associated with the following publications: (PMID: 25525159, 24452722, 15116370, 33464536, 27415035)

Blueprint Genetics
Classification: Pathogenic for CLCN1-related disorders. Last evaluated: 2023-09-12. Review status: criteria provided, single submitter. Criteria: ACMG Guidelines, 2015. Collection method: clinical testing. Allele origin: germline. Affected: yes. Observed: 2 variant alleles.

CeGaT Center for Human Genetics Tuebingen
Classification: Pathogenic. Last evaluated: 2017-05-01. Review status: criteria provided, single submitter. Criteria: CeGaT Center For Human Genetics Tuebingen Variant Classification Criteria Version 2. Collection method: clinical testing. Allele origin: germline. Affected: yes. Observed: 2 variant alleles.

Literature cited by the submitters: PubMed 15116370 (cited by Labcorp Genetics (formerly Invitae), Labcorp).

NM_000083.3(CLCN1):c.2172+1G>T

Gene: CLCN1 (chloride voltage-gated channel 1; plus strand). Cytogenetic location: 7q34.
Variant type: single nucleotide variant.
Coding change: c.2172+1G>T on transcript NM_000083.3 (MANE Select); the canonical splice donor site of the intron after coding-DNA position 2172, G replaced by T.
Molecular consequence: splice donor variant.
Genome position (GRCh38, 1-based): chr7:143,345,763, G>T. VCF-style: chr7-143345763-G-T. GRCh37 (hg19) VCF-style: chr7-143042856-G-T.
Identifiers: ClinVar variation 572040 (VCV000572040.55), dbSNP rs1273524525, ClinGen allele CA369650847.